The following is an entry in ClinVar:

NM_001242896.3(DEPDC5):c.4619G>A (p.Cys1540Tyr)

Gene: DEPDC5 (DEP domain containing 5, GATOR1 subcomplex subunit; plus strand). Cytogenetic location: 22q12.3.
Variant type: single nucleotide variant.
Coding change: c.4619G>A on transcript NM_001242896.3 (MANE Select); coding-DNA position 4619, G replaced by A.
Protein change: p.Cys1540Tyr; replaces cysteine 1540 with tyrosine.
Molecular consequence: missense variant. On other transcripts: non-coding transcript variant (5).
Genome position (GRCh38, 1-based): chr22:31,906,304, G>A. VCF-style: chr22-31906304-G-A. GRCh37 (hg19) VCF-style: chr22-32302290-G-A.
Other names: c.4592G>A, p.Cys1531Tyr (NM_001136029.4); c.4319G>A, p.Cys1440Tyr (NM_001242897.2); c.4553G>A, p.Cys1518Tyr (NM_001363852.2, NM_001364320.2); c.4385G>A, p.Cys1462Tyr (NM_001363854.2, NM_001364319.2); c.4619G>A, p.Cys1540Tyr (NM_001364318.2); c.4535G>A, p.Cys1512Tyr (NM_001369901.1, NM_001369902.1); c.4526G>A, p.Cys1509Tyr (NM_001369903.1, NM_014662.6); short protein forms C1462Y, C1509Y, C1512Y, C1440Y, C1518Y, C1531Y, C1540Y.
Identifiers: ClinVar variation 2717272 (VCV002717272.3), dbSNP rs2523598198, ClinGen allele CA411292558.

ClinVar aggregate classification (germline): Uncertain significance (1 of 4 stars; one submission).

Conditions:
Familial focal epilepsy with variable foci (FPEVF). Identifiers: Orphanet 98820, MedGen C1858477, MONDO:0020310.

Submission:

Labcorp Genetics (formerly Invitae), Labcorp
Classification: Uncertain significance for Familial focal epilepsy with variable foci. Last evaluated: 2023-06-16. Review status: criteria provided, single submitter. Criteria: Invitae Variant Classification Sherloc (09022015). Collection method: clinical testing. Allele origin: germline.
Comment: In summary, the available evidence is currently insufficient to determine the role of this variant in disease. Therefore, it has been classified as a Variant of Uncertain Significance. Experimental studies and prediction algorithms are not available or were not evaluated, and the functional significance of this variant is currently unknown. This variant has not been reported in the literature in individuals affected with DEPDC5-related conditions. This variant is not present in population databases (gnomAD no frequency). This sequence change replaces cysteine, which is neutral and slightly polar, with tyrosine, which is neutral and polar, at codon 1540 of the DEPDC5 protein (p.Cys1540Tyr).